The following is an entry in ClinVar:

NM_003597.5(KLF11):c.1447C>T (p.Pro483Ser)

Gene: KLF11 (KLF transcription factor 11; plus strand). Cytogenetic location: 2p25.1.
Variant type: single nucleotide variant.
Coding change: c.1447C>T on transcript NM_003597.5 (MANE Select); coding-DNA position 1447, C replaced by T.
Protein change: p.Pro483Ser; replaces proline 483 with serine.
Molecular consequence: missense variant.
Genome position (GRCh38, 1-based): chr2:10,052,415, C>T. VCF-style: chr2-10052415-C-T. GRCh37 (hg19) VCF-style: chr2-10192542-C-T.
Other names: c.1396C>T, p.Pro466Ser (NM_001177716.2, NM_001177718.2); short protein forms P466S, P483S.
Identifiers: ClinVar variation 1904503 (VCV001904503.5), dbSNP rs761563032, ClinGen allele CA1525789.

ClinVar aggregate classification (germline): Uncertain significance (1 of 4 stars; one submission).

Allele frequency attached by ClinVar (database versions not stated): TOPMed 0.00002; gnomAD exomes 0.00005; ExAC 0.00007; gnomAD 0.00007.
gnomAD v4.1: 82 of 1,614,038 alleles (0.0051%); highest among the groups gnomAD compares: Middle Eastern, 0.049%; no homozygotes.

Submission:

Labcorp Genetics (formerly Invitae), Labcorp
Classification: Uncertain significance. Last evaluated: 2024-12-16. Review status: criteria provided, single submitter. Criteria: Invitae Variant Classification Sherloc (09022015). Collection method: clinical testing. Allele origin: germline.
Comment: This sequence change replaces proline, which is neutral and non-polar, with serine, which is neutral and polar, at codon 483 of the KLF11 protein (p.Pro483Ser). This variant is present in population databases (rs761563032, gnomAD 0.01%). This missense change has been observed in individual(s) with KLF11-related conditions (PMID: 33565752). ClinVar contains an entry for this variant (Variation ID: 1904503). An algorithm developed to predict the effect of missense changes on protein structure and function (PolyPhen-2) suggests that this variant is likely to be disruptive. In summary, the available evidence is currently insufficient to determine the role of this variant in disease. Therefore, it has been classified as a Variant of Uncertain Significance.

Literature cited by the submitters: PubMed 33565752.